The following is an entry in ClinVar:

ClinVar aggregate classification (germline): Benign/Likely benign. Review status: criteria provided, multiple submitters, no conflicts (2 of 4 stars). 4 submissions from 4 submitters: Benign (2); Likely benign (2). Last evaluated 2025-12-16.

Conditions:
3-methylglutaconic aciduria, type VIIB (MGCA7B). Also called: 3-methylglutaconic aciduria with cataracts, neurologic involvement and neutropenia; CLPB Deficiency; 3-methylglutaconic aciduria, type VII, with cataracts, neurologic involvement and neutropenia. Identifiers: Orphanet 445038, MedGen C5676893, MONDO:0014561, OMIM 616271.

Allele frequency attached by ClinVar (database versions not stated): gnomAD exomes 0.00006 and 0.00017; ExAC 0.00023; 1000 Genomes Project 30x 0.00031; TOPMed 0.00083; ESP Exome Variant Server 0.00085; gnomAD 0.00088 and 0.00083; 1000 Genomes Project 0.00040.
gnomAD v4.1: 213 of 1,614,164 alleles (0.013%); highest among the groups gnomAD compares: African/African-American, 0.27%; no homozygotes.

Submissions (4):

Labcorp Genetics (formerly Invitae), Labcorp
Classification: Benign for 3-methylglutaconic aciduria, type VIIB. Last evaluated: 2025-12-16. Review status: criteria provided, single submitter. Criteria: Invitae Variant Classification Sherloc (09022015). Collection method: clinical testing. Allele origin: germline.

Mayo Clinic Laboratories, Mayo Clinic
Classification: Likely benign. Last evaluated: 2025-12-03. Review status: criteria provided, single submitter. Criteria: ACMG Guidelines, 2015. Collection method: clinical testing. Allele origin: germline. Observed: 3 variant alleles.
Comment: BS1, BP4, BP7

Blueprint Genetics
Classification: Likely benign. Last evaluated: 2023-07-06. Review status: criteria provided, single submitter. Criteria: ACMG Guidelines, 2015. Collection method: clinical testing. Allele origin: germline.

Breakthrough Genomics
Classification: Benign. Review status: criteria provided, single submitter. Criteria: ACMG Guidelines, 2015. Collection method: not provided. Allele origin: germline. Inheritance: Autosomal recessive inheritance. Affected: yes.

NM_001258392.3(CLPB):c.1935C>T (p.Leu645=)

Gene: CLPB (ClpB family mitochondrial disaggregase; minus strand). Cytogenetic location: 11q13.4.
Variant type: single nucleotide variant.
Coding change: c.1935C>T on transcript NM_001258392.3 (MANE Select); coding-DNA position 1935, C replaced by T.
Protein change: p.Leu645=; no amino-acid change (leucine 645 retained).
Molecular consequence: synonymous variant.
Genome position (GRCh38, 1-based): chr11:72,293,466, G>A on the plus strand (C>T on the coding strand, the complement: CLPB is on the minus strand). VCF-style: chr11-72293466-G-A. GRCh37 (hg19) VCF-style: chr11-72004510-G-A.
Other names: p.Leu675=; c.1848C>T, p.Leu616= (NM_001258393.3); c.1890C>T, p.Leu630= (NM_001258394.3); c.2025C>T, p.Leu675= (NM_030813.6).
Identifiers: ClinVar variation 716711 (VCV000716711.13), dbSNP rs138717332, ClinGen allele CA6170988.